The following is an entry in ClinVar:

ClinVar aggregate classification (germline): Likely benign. Review status: criteria provided, multiple submitters, no conflicts (2 of 4 stars). 5 submissions from 5 submitters: Likely benign (4). 1 of the submissions does not count toward it. Last evaluated 2023-09-14.

Conditions:
TMPO-related disorder. Also called: TMPO-related condition.

Allele frequency attached by ClinVar (database versions not stated): gnomAD exomes 0.00008 and 0.00026; ExAC 0.00025; gnomAD 0.00082 and 0.00083; 1000 Genomes Project 30x 0.00094; TOPMed 0.00100; ESP Exome Variant Server 0.00108; 1000 Genomes Project 0.00120.
gnomAD v4.1: 246 of 1,614,178 alleles (0.015%); highest among the groups gnomAD compares: African/African-American, 0.27%; 1 homozygote.

Submissions (5):

Blueprint Genetics
Classification: Likely benign. Last evaluated: 2023-09-14. Review status: criteria provided, single submitter. Criteria: ACMG Guidelines, 2015. Collection method: clinical testing. Allele origin: germline.

GeneDx
Classification: Likely benign. Last evaluated: 2020-02-19. Review status: criteria provided, single submitter. Criteria: GeneDx Variant Classification Process June 2021. Collection method: clinical testing. Allele origin: germline. Affected: yes.

Laboratory for Molecular Medicine, Mass General Brigham Personalized Medicine
Classification: Likely benign. Last evaluated: 2012-03-19. Review status: criteria provided, single submitter. Criteria: LMM Criteria. Collection method: clinical testing. Allele origin: germline. Observed: 3 variant alleles.
Comment: Arg373Arg in exon 9 of TMPO: This variant is not expected to have clinical signi ficance because it does not alter an amino acid residue and is not located withi n the splice consensus sequence. It has been identified in 0.2% (8/3738) of Afri can American chromosomes from a broad population by the NHLBI Exome Sequencing P roject (dbSNP rs144913822). Arg373Arg in exon 9 of TMPO (rs144913822; allele frequency = 0.2%, 8/3738) **

Breakthrough Genomics
Classification: Likely benign. Review status: criteria provided, single submitter. Criteria: ACMG Guidelines, 2015. Collection method: not provided. Allele origin: germline. Inheritance: Unknown mechanism. Affected: yes.

PreventionGenetics, part of Exact Sciences
Classification: Likely benign for TMPO-related condition. Last evaluated: 2019-05-20. Review status: no assertion criteria provided. Collection method: clinical testing. Allele origin: germline. Not counted in ClinVar's aggregate classification.
Comment: This variant is classified as likely benign based on ACMG/AMP sequence variant interpretation guidelines (Richards et al. 2015 PMID: 25741868, with internal and published modifications).

NM_001032283.3(TMPO):c.1119G>A (p.Arg373=)

Gene: TMPO (thymopoietin; plus strand). Cytogenetic location: 12q23.1.
Variant type: single nucleotide variant.
Coding change: c.1119G>A on transcript NM_001032283.3 (MANE Select); coding-DNA position 1119, G replaced by A.
Protein change: p.Arg373=; no amino-acid change (arginine 373 retained).
Molecular consequence: synonymous variant.
Genome position (GRCh38, 1-based): chr12:98,547,612, G>A. VCF-style: chr12-98547612-G-A. GRCh37 (hg19) VCF-style: chr12-98941390-G-A.
Other names: c.792G>A, p.Arg264= (NM_001032284.3); c.999G>A, p.Arg333= (NM_001307975.2).
Identifiers: ClinVar variation 165477 (VCV000165477.12), dbSNP rs144913822, ClinGen allele CA178246.